The following is an entry in ClinVar:

NM_007327.4(GRIN1):c.2269G>C (p.Gly757Arg)

Gene: GRIN1 (glutamate ionotropic receptor NMDA type subunit 1; plus strand). Cytogenetic location: 9q34.3.
Variant type: single nucleotide variant.
Coding change: c.2269G>C on transcript NM_007327.4 (MANE Select); coding-DNA position 2269, G replaced by C.
Protein change: p.Gly757Arg; replaces glycine 757 with arginine.
Molecular consequence: missense variant.
Genome position (GRCh38, 1-based): chr9:137,163,266, G>C. VCF-style: chr9-137163266-G-C. GRCh37 (hg19) VCF-style: chr9-140057718-G-C.
Other names: c.2332G>C, p.Gly778Arg (NM_001185091.2, NM_001185090.2); c.2269G>C, p.Gly757Arg (NM_021569.4, NM_000832.7); short protein forms G757R, G778R.
Identifiers: ClinVar variation 2741176 (VCV002741176.3), dbSNP rs2538645518, ClinGen allele CA375724065.

ClinVar aggregate classification (germline): Uncertain significance (1 of 4 stars; one submission).

Conditions:
Neurodevelopmental disorder with or without hyperkinetic movements and seizures, autosomal dominant. Also called: Intellectual disability, autosomal dominant 8. Identifiers: MedGen C3280282, MONDO:0013655, OMIM 614254.

Submission:

Labcorp Genetics (formerly Invitae), Labcorp
Classification: Uncertain significance for Neurodevelopmental disorder with or without hyperkinetic movements and seizures, autosomal dominant. Last evaluated: 2023-07-17. Review status: criteria provided, single submitter. Criteria: Invitae Variant Classification Sherloc (09022015). Collection method: clinical testing. Allele origin: germline.
Comment: This variant has not been reported in the literature in individuals affected with GRIN1-related conditions. In summary, the available evidence is currently insufficient to determine the role of this variant in disease. Therefore, it has been classified as a Variant of Uncertain Significance. Advanced modeling of protein sequence and biophysical properties (such as structural, functional, and spatial information, amino acid conservation, physicochemical variation, residue mobility, and thermodynamic stability) has been performed at Invitae for this missense variant, however the output from this modeling did not meet the statistical confidence thresholds required to predict the impact of this variant on GRIN1 protein function. This variant is not present in population databases (gnomAD no frequency). This sequence change replaces glycine, which is neutral and non-polar, with arginine, which is basic and polar, at codon 757 of the GRIN1 protein (p.Gly757Arg).